The following is an entry in ClinVar:

NM_004525.3(LRP2):c.1062A>G (p.Ile354Met)

Gene: LRP2 (LDL receptor related protein 2; minus strand). Cytogenetic location: 2q31.1.
Variant type: single nucleotide variant.
Coding change: c.1062A>G on transcript NM_004525.3 (MANE Select); coding-DNA position 1062, A replaced by G.
Protein change: p.Ile354Met; replaces isoleucine 354 with methionine.
Molecular consequence: missense variant.
Genome position (GRCh38, 1-based): chr2:169,282,982, T>C on the plus strand (A>G on the coding strand, the complement: LRP2 is on the minus strand). VCF-style: chr2-169282982-T-C. GRCh37 (hg19) VCF-style: chr2-170139492-T-C.
Other names: c.1062A>G (NM_004525.2); short protein forms I354M.
Identifiers: ClinVar variation 1958194 (VCV001958194.3), dbSNP rs755607666, ClinGen allele CA1955655.

ClinVar aggregate classification (germline): Uncertain significance. Review status: criteria provided, multiple submitters, no conflicts (2 of 4 stars). 2 submissions from 2 submitters: Uncertain significance (2). Last evaluated 2025-12-22.

Conditions:
Inborn genetic diseases. Identifiers: MedGen C0950123, MeSH D030342.

Allele frequency attached by ClinVar (database versions not stated): ExAC 0.00001; gnomAD 0.00001.
gnomAD v4.1: 2 of 1,614,012 alleles (0.00012%); highest among the groups gnomAD compares: East Asian, 0.0022%; no homozygotes.

Submissions (2):

Ambry Genetics
Classification: Uncertain significance for Inborn genetic diseases. Last evaluated: 2025-12-22. Review status: criteria provided, single submitter. Criteria: Ambry Variant Classification Scheme 2023. Collection method: clinical testing. Allele origin: germline.

Labcorp Genetics (formerly Invitae), Labcorp
Classification: Uncertain significance. Last evaluated: 2022-03-10. Review status: criteria provided, single submitter. Criteria: Invitae Variant Classification Sherloc (09022015). Collection method: clinical testing. Allele origin: germline.
Comment: This sequence change replaces isoleucine, which is neutral and non-polar, with methionine, which is neutral and non-polar, at codon 354 of the LRP2 protein (p.Ile354Met). This variant is present in population databases (rs755607666, gnomAD 0.006%). This variant has not been reported in the literature in individuals affected with LRP2-related conditions. Advanced modeling of protein sequence and biophysical properties (such as structural, functional, and spatial information, amino acid conservation, physicochemical variation, residue mobility, and thermodynamic stability) performed at Invitae indicates that this missense variant is not expected to disrupt LRP2 protein function. In summary, the available evidence is currently insufficient to determine the role of this variant in disease. Therefore, it has been classified as a Variant of Uncertain Significance.